The following is an entry in ClinVar:

NM_001844.5(COL2A1):c.2522C>A (p.Ala841Asp)

Gene: COL2A1 (collagen type II alpha 1 chain; minus strand). Cytogenetic location: 12q13.11.
Variant type: single nucleotide variant.
Coding change: c.2522C>A on transcript NM_001844.5 (MANE Select); coding-DNA position 2522, C replaced by A.
Protein change: p.Ala841Asp; replaces alanine 841 with aspartic acid.
Molecular consequence: missense variant.
Genome position (GRCh38, 1-based): chr12:47,980,657, G>T on the plus strand (C>A on the coding strand, the complement: COL2A1 is on the minus strand). VCF-style: chr12-47980657-G-T. GRCh37 (hg19) VCF-style: chr12-48374440-G-T.
Other names: c.2315C>A, p.Ala772Asp (NM_033150.3); short protein forms A772D, A841D.
Identifiers: ClinVar variation 3392711 (VCV003392711.1).

ClinVar aggregate classification (germline): Uncertain significance (1 of 4 stars; one submission).

gnomAD v4.1: 2 of 1,610,628 alleles (0.00012%); highest among the groups gnomAD compares: Non-Finnish European, 0.000085%; no homozygotes.

Submission:

GeneDx
Classification: Uncertain significance. Last evaluated: 2024-06-25. Review status: criteria provided, single submitter. Criteria: GeneDx Variant Classification Process June 2021. Collection method: clinical testing. Allele origin: germline. Affected: yes.
Comment: Has not been previously published as pathogenic or benign to our knowledge; Not observed at significant frequency in large population cohorts (gnomAD); In silico analysis supports that this missense variant has a deleterious effect on protein structure/function